The following is an entry in ClinVar:

ClinVar aggregate classification (germline): Uncertain significance. Review status: criteria provided, multiple submitters, no conflicts (2 of 4 stars). 6 submissions from 6 submitters: Uncertain significance (6). Last evaluated 2026-01-14.

Conditions:
PRX-related disorder. Also called: PRX-Related Disorders; PRX-related condition.
Charcot-Marie-Tooth disease. Also called: Charcot-Marie-Tooth Hereditary Neuropathy; Charcot-Marie-Tooth Neuropathy. Identifiers: Orphanet 166, MedGen C0007959, MONDO:0015626.
Charcot-Marie-Tooth disease type 4. Also called: Charcot-Marie-Tooth disease, type IV; Charcot-Marie-Tooth, Type 4. Identifiers: Orphanet 64749, MedGen C4082197, MONDO:0018995.
Charcot-Marie-Tooth disease type 4F. Also called: Charcot-Marie-Tooth disease, demyelinating, type 4F. Identifiers: Orphanet 99952, MedGen C3540453, MONDO:0013959, OMIM 614895.

Allele frequency attached by ClinVar (database versions not stated): TOPMed 0.00004; ExAC 0.00005; gnomAD exomes 0.00005; gnomAD 0.00007.
gnomAD v4.1: 64 of 1,599,400 alleles (0.004%); highest among the groups gnomAD compares: Non-Finnish European, 0.0054%; no homozygotes.

Submissions (6):

Labcorp Genetics (formerly Invitae), Labcorp
Classification: Uncertain significance for Charcot-Marie-Tooth disease type 4. Last evaluated: 2026-01-14. Review status: criteria provided, single submitter. Criteria: Invitae Variant Classification Sherloc (09022015). Collection method: clinical testing. Allele origin: germline.
Comment: This sequence change replaces threonine, which is neutral and polar, with alanine, which is neutral and non-polar, at codon 308 of the PRX protein (p.Thr308Ala). This variant is present in population databases (rs753330520, gnomAD 0.008%). This missense change has been observed in individual(s) with clinical features of Charcot-Marie-Tooth disease (PMID: 32376792). ClinVar contains an entry for this variant (Variation ID: 242187). An algorithm developed to predict the effect of missense changes on protein structure and function (PolyPhen-2) suggests that this variant is likely to be tolerated. In summary, the available evidence is currently insufficient to determine the role of this variant in disease. Therefore, it has been classified as a Variant of Uncertain Significance.

Women's Health and Genetics/Laboratory Corporation of America, LabCorp
Classification: Uncertain significance. Last evaluated: 2025-10-08. Review status: criteria provided, single submitter. Criteria: LabCorp Variant Classification Summary - May 2015. Collection method: clinical testing. Allele origin: germline.
Comment: Variant summary: PRX c.922A>G (p.Thr308Ala) results in a non-conservative amino acid change in the encoded protein sequence. Algorithms developed to predict the effect of missense changes on protein structure and function are either unavailable or do not agree on the potential impact of this missense change. The variant allele was found at a frequency of 4.7e-05 in 213330 control chromosomes. This frequency is not significantly higher than estimated for disease-causing variants in PRX, allowing no conclusion about variant significance. c.922A>G has been observed in an individual affected with features of Charcot-Marie-Tooth disease (Volodarsky_2021). These report(s) do not provide unequivocal conclusions about association of the variant with PRX-Related Disorders. To our knowledge, no experimental evidence demonstrating an impact on protein function has been reported. The following publication has been ascertained in the context of this evaluation (PMID: 32376792). ClinVar contains an entry for this variant (Variation ID: 242187). Based on the evidence outlined above, the variant was classified as uncertain significance.

PreventionGenetics, part of Exact Sciences
Classification: Uncertain significance for PRX-related condition. Last evaluated: 2025-09-17. Review status: criteria provided, single submitter. Criteria: ACMG Guidelines, 2015. Collection method: clinical testing. Allele origin: germline.
Comment: The PRX c.922A>G variant is predicted to result in the amino acid substitution p.Thr308Ala. This variant was reported as a variant of uncertain significance in an individual from a large cohort study of Charcot-Marie-Tooth disease; however, additional evidence was not provided (Volodarsky et al. 2021. PubMed ID: 32376792). This variant is reported in 0.010% of alleles in individuals of European (Non-Finnish) descent in gnomAD. At this time, the clinical significance of this variant is uncertain due to the absence of conclusive functional and genetic evidence.

GeneDx
Classification: Uncertain significance. Last evaluated: 2023-08-11. Review status: criteria provided, single submitter. Criteria: GeneDx Variant Classification Process June 2021. Collection method: clinical testing. Allele origin: germline. Affected: yes.
Comment: Not observed at significant frequency in large population cohorts (gnomAD); In silico analysis supports that this missense variant does not alter protein structure/function; Reported previously as a variant of uncertain significance in an individual with CMT (Volodarsky et al., 2021); This variant is associated with the following publications: (PMID: 32376792)

Illumina Laboratory Services, Illumina
Classification: Uncertain significance for Charcot-Marie-Tooth disease type 4F. Last evaluated: 2018-01-12. Review status: criteria provided, single submitter. Criteria: ICSL Variant Classification Criteria 13 December 2019. Collection method: clinical testing. Allele origin: germline.

Molecular Genetics Laboratory, London Health Sciences Centre
Classification: Uncertain significance for Charcot-Marie-Tooth disease. Review status: criteria provided, single submitter. Criteria: ACMG Guidelines, 2015. Collection method: clinical testing. Allele origin: germline. Affected: yes.

Literature cited by the submitters: PubMed 32376792 (cited by Labcorp Genetics (formerly Invitae), Labcorp and Women's Health and Genetics/Laboratory Corporation of America, LabCorp).

NM_181882.3(PRX):c.922A>G (p.Thr308Ala)

Gene: PRX (periaxin; minus strand). Cytogenetic location: 19q13.2.
Variant type: single nucleotide variant.
Coding change: c.922A>G on transcript NM_181882.3 (MANE Select); coding-DNA position 922, A replaced by G.
Protein change: p.Thr308Ala; replaces threonine 308 with alanine.
Molecular consequence: missense variant. On other transcripts: 3 prime UTR variant (1).
Genome position (GRCh38, 1-based): chr19:40,397,430, T>C on the plus strand (A>G on the coding strand, the complement: PRX is on the minus strand). VCF-style: chr19-40397430-T-C. GRCh37 (hg19) VCF-style: chr19-40903337-T-C.
Other names: c.*1127A>G (NM_020956.2); short protein forms T308A.
Identifiers: ClinVar variation 242187 (VCV000242187.16), dbSNP rs753330520, ClinGen allele CA9444360.
Genomic context (GRCh38, chr19:40,397,430, plus strand): 5'-CATCCAGGGTGGGCACCACTACCGACACAGCCCCTTCCCGGGTCTCTAGGCAGGGAAGTG[T>C]GGGCAGAGTGGGCAGTGAGGGCAAGGCAGGCAGCTCCACCTGGGGGACCTGGATTCCCAC-3'
Protein context (NP_870998.2, residues 298-318): PALPSLPTLP[Thr308Ala]LPCLETREGA